The following is an entry in ClinVar:

NM_006734.4(HIVEP2):c.1309G>T (p.Ala437Ser)

Gene: HIVEP2 (HIVEP zinc finger 2; minus strand). Cytogenetic location: 6q24.2.
Variant type: single nucleotide variant.
Coding change: c.1309G>T on transcript NM_006734.4 (MANE Select); coding-DNA position 1309, G replaced by T.
Protein change: p.Ala437Ser; replaces alanine 437 with serine.
Molecular consequence: missense variant.
Genome position (GRCh38, 1-based): chr6:142,773,430, C>A on the plus strand (G>T on the coding strand, the complement: HIVEP2 is on the minus strand). VCF-style: chr6-142773430-C-A. GRCh37 (hg19) VCF-style: chr6-143094567-C-A.
Other names: short protein forms A437S.
Identifiers: ClinVar variation 2345797 (VCV002345797.4), dbSNP rs746758467, ClinGen allele CA4028624.

ClinVar aggregate classification (germline): Uncertain significance. Review status: criteria provided, multiple submitters, no conflicts (2 of 4 stars). 2 submissions from 2 submitters: Uncertain significance (2). Last evaluated 2025-11-25.

Conditions:
Inborn genetic diseases. Identifiers: MedGen C0950123, MeSH D030342.

Allele frequency attached by ClinVar (database versions not stated): gnomAD 0.00001; gnomAD exomes 0.00001; TOPMed 0.00002; ExAC 0.00002.
gnomAD v4.1: 7 of 1,614,074 alleles (0.00043%); highest among the groups gnomAD compares: Non-Finnish European, 0.00059%; no homozygotes.

Submissions (2):

Ambry Genetics
Classification: Uncertain significance for Inborn genetic diseases. Last evaluated: 2025-11-25. Review status: criteria provided, single submitter. Criteria: Ambry Variant Classification Scheme 2023. Collection method: clinical testing. Allele origin: germline.

Women's Health and Genetics/Laboratory Corporation of America, LabCorp
Classification: Uncertain significance. Last evaluated: 2024-10-08. Review status: criteria provided, single submitter. Criteria: LabCorp Variant Classification Summary - May 2015. Collection method: clinical testing. Allele origin: germline.
Comment: Variant summary: HIVEP2 c.1309G>T (p.Ala437Ser) results in a conservative amino acid change in the encoded protein sequence. Five of five in-silico tools predict a benign effect of the variant on protein function. The variant allele was found at a frequency of 8e-06 in 249566 control chromosomes. The available data on variant occurrences in the general population are insufficient to allow any conclusion about variant significance. To our knowledge, no occurrence of c.1309G>T in individuals affected with Intellectual Disability, Autosomal Dominant 43 and no experimental evidence demonstrating its impact on protein function have been reported. ClinVar contains an entry for this variant (Variation ID: 2345797). Based on the evidence outlined above, the variant was classified as uncertain significance.